The following is an entry in ClinVar:

ClinVar aggregate classification (germline): Uncertain significance (1 of 4 stars; one submission).

Conditions:
MHC class I deficiency. Identifiers: Orphanet 34592, MedGen C6024714, MONDO:0011476.

Submission:

Labcorp Genetics (formerly Invitae), Labcorp
Classification: Uncertain significance for MHC class I deficiency 1. Last evaluated: 2024-10-25. Review status: criteria provided, single submitter. Criteria: Invitae Variant Classification Sherloc (09022015). Collection method: clinical testing. Allele origin: germline.
Comment: This sequence change replaces glycine, which is neutral and non-polar, with arginine, which is basic and polar, at codon 34 of the TAP1 protein (p.Gly34Arg). This variant is not present in population databases (gnomAD no frequency). This variant has not been reported in the literature in individuals affected with TAP1-related conditions. ClinVar contains an entry for this variant (Variation ID: 1516578). An algorithm developed to predict the effect of missense changes on protein structure and function outputs the following: PolyPhen-2: "Probably Damaging". The arginine amino acid residue is found in multiple mammalian species, which suggests that this missense change does not adversely affect protein function. In summary, the available evidence is currently insufficient to determine the role of this variant in disease. Therefore, it has been classified as a Variant of Uncertain Significance.

NC_000006.12:g.32853717C>G

Gene: TAP1 (transporter 1, ATP binding cassette subfamily B member; minus strand). Cytogenetic location: 6p21.32.
Variant type: single nucleotide variant.
Genome position: GRCh38 VCF-style: chr6-32853717-C-G. GRCh37 (hg19) VCF-style: chr6-32821494-C-G.
Identifiers: ClinVar variation 1516578 (VCV001516578.6), dbSNP rs979626928, ClinGen allele CA136998544.
Genomic context (GRCh38, chr6:32,853,717, plus strand): 5'-GGTCCCGGCCGGGCCTGGGACTCTCCGCGCCCCGGTGGGGCCTGAAGCTCCGGGTACCGC[C>G]GAGTCCTCCCCTACTGGCGGCTGGGGGAGGGAACGAGGGCGGGGCTCTCGGAAAGTCCCA-3'